The following is an entry in ClinVar:

NC_000001.10:g.(?_215820844)_(215824163_?)del

Gene: USH2A (usherin; minus strand). Cytogenetic location: 1q41.
Variant type: Deletion.
Identifiers: ClinVar variation 3248072 (VCV003248072.1).

ClinVar aggregate classification (germline): Pathogenic (1 of 4 stars; one submission).

Submission:

Labcorp Genetics (formerly Invitae), Labcorp
Classification: Pathogenic. Last evaluated: 2024-01-26. Review status: criteria provided, single submitter. Criteria: Invitae Variant Classification Sherloc (09022015). Collection method: clinical testing. Allele origin: unknown.
Comment: This variant is a gross deletion of the genomic region encompassing exon(s) 65-67 of the USH2A gene. This deletion is out-of-frame, and is expected to create a premature termination codon and result in an absent or disrupted protein product. Loss-of-function variants in USH2A are known to be pathogenic (PMID: 10729113, 10909849, 20507924, 25649381). This variant has not been reported in the literature in individuals affected with USH2A-related conditions. For these reasons, this variant has been classified as Pathogenic.

Literature cited by the submitters: PubMed 10729113; PubMed 10909849; PubMed 20507924; PubMed 25649381.